The following is an entry in ClinVar:

NM_000051.4(ATM):c.4578_4580delinsTCG (p.Leu1527Arg)

Gene: ATM (ATM serine/threonine kinase; plus strand). Cytogenetic location: 11q22.3.
Variant type: Indel.
Coding change: c.4578_4580delinsTCG on transcript NM_000051.4 (MANE Select); coding-DNA positions 4578 to 4580, CCT replaced by TCG.
Protein change: p.Leu1527Arg; replaces leucine 1527 with arginine.
Molecular consequence: missense variant.
Genome position (GRCh38, 1-based): chr11:108,292,760-108,292,762, CCT replaced by TCG. VCF-style: chr11-108292760-CCT-TCG. GRCh37 (hg19) VCF-style: chr11-108163487-CCT-TCG.
Other names: c.4578_4580delinsTCG, p.Leu1527Arg (NM_001351834.2); short protein forms L1527R.
Identifiers: ClinVar variation 2568221 (VCV002568221.2), dbSNP rs2546926049, ClinGen allele CA2580616442.

ClinVar aggregate classification (germline): Uncertain significance (1 of 4 stars; one submission).

Conditions:
Hereditary cancer-predisposing syndrome. Also called: Hereditary neoplastic syndrome; Hereditary Cancer Syndrome; Neoplastic Syndromes, Hereditary; Tumor predisposition. Identifiers: Orphanet 140162, MedGen C0027672, MeSH D009386, MONDO:0015356.

Submission:

Ambry Genetics
Classification: Uncertain significance for Hereditary cancer-predisposing syndrome. Last evaluated: 2023-06-02. Review status: criteria provided, single submitter. Criteria: Ambry Variant Classification Scheme 2023. Collection method: clinical testing. Allele origin: germline.
Comment: The c.4578_4580delCCTinsTCG variant (also known as p.L1527R), located in coding exon 29 of the ATM gene, results from an in-frame deletion of CCT and insertion of TCG at nucleotide positions 4578 to 4580. This results in the substitution of the leucine residue for a arginine residue at codon 1527, an amino acid with dissimilar properties. This amino acid position is well conserved in available vertebrate species. In addition, the in silico prediction for this alteration is inconclusive (Choi Y et al. PLoS ONE. 2012; 7(10):e46688). Since supporting evidence is limited at this time, the clinical significance of this alteration remains unclear.